The following is an entry in ClinVar:

ClinVar aggregate classification (germline): Uncertain significance. Review status: criteria provided, multiple submitters, no conflicts (2 of 4 stars). 4 submissions from 4 submitters: Uncertain significance (4). Last evaluated 2024-12-06.

Conditions:
Congenital myasthenic syndrome 5. Identifiers: Orphanet 590, MedGen C1864233, MONDO:0011281, OMIM 603034.
Inborn genetic diseases. Identifiers: MedGen C0950123, MeSH D030342.

Allele frequency attached by ClinVar (database versions not stated): ExAC 0.00005; gnomAD 0.00005 and 0.00006; gnomAD exomes 0.00005; TOPMed 0.00007; 1000 Genomes Project 30x 0.00016; 1000 Genomes Project 0.00020.
gnomAD v4.1: 93 of 1,614,104 alleles (0.0058%); highest among the groups gnomAD compares: East Asian, 0.051%; no homozygotes.

Submissions (4):

Revvity Omics, Revvity
Classification: Uncertain significance for Congenital myasthenic syndrome 5. Last evaluated: 2024-12-06. Review status: criteria provided, single submitter. Criteria: ACMG Guidelines, 2015. Collection method: clinical testing. Allele origin: germline.

Ambry Genetics
Classification: Uncertain significance for Inborn genetic diseases. Last evaluated: 2024-03-30. Review status: criteria provided, single submitter. Criteria: Ambry Variant Classification Scheme 2023. Collection method: clinical testing. Allele origin: germline.

Labcorp Genetics (formerly Invitae), Labcorp
Classification: Uncertain significance for Congenital myasthenic syndrome 5. Last evaluated: 2022-06-13. Review status: criteria provided, single submitter. Criteria: Invitae Variant Classification Sherloc (09022015). Collection method: clinical testing. Allele origin: germline.
Comment: This sequence change replaces arginine, which is basic and polar, with histidine, which is basic and polar, at codon 262 of the COLQ protein (p.Arg262His). This variant is present in population databases (rs201158622, gnomAD 0.03%). This variant has not been reported in the literature in individuals affected with COLQ-related conditions. ClinVar contains an entry for this variant (Variation ID: 343850). Algorithms developed to predict the effect of missense changes on protein structure and function output the following: SIFT: "Deleterious"; PolyPhen-2: "Not Available"; Align-GVGD: "Class C0". The histidine amino acid residue is found in multiple mammalian species, which suggests that this missense change does not adversely affect protein function. In summary, the available evidence is currently insufficient to determine the role of this variant in disease. Therefore, it has been classified as a Variant of Uncertain Significance.

Illumina Laboratory Services, Illumina
Classification: Uncertain significance for Congenital myasthenic syndrome 5. Last evaluated: 2018-01-13. Review status: criteria provided, single submitter. Criteria: ICSL Variant Classification Criteria 13 December 2019. Collection method: clinical testing. Allele origin: germline.

NM_005677.4(COLQ):c.785G>A (p.Arg262His)

Gene: COLQ (collagen like tail subunit of asymmetric acetylcholinesterase; minus strand). Cytogenetic location: 3p25.1.
Variant type: single nucleotide variant.
Coding change: c.785G>A on transcript NM_005677.4 (MANE Select); coding-DNA position 785, G replaced by A.
Protein change: p.Arg262His; replaces arginine 262 with histidine.
Molecular consequence: missense variant.
Genome position (GRCh38, 1-based): chr3:15,466,370, C>T on the plus strand (G>A on the coding strand, the complement: COLQ is on the minus strand). VCF-style: chr3-15466370-C-T. GRCh37 (hg19) VCF-style: chr3-15507877-C-T.
Other names: c.755G>A, p.Arg252His (NM_080538.2); c.683G>A, p.Arg228His (NM_080539.4); short protein forms R262H, R252H, R228H.
Identifiers: ClinVar variation 343850 (VCV000343850.11), dbSNP rs201158622, ClinGen allele CA2275975.